The following is an entry in ClinVar:

NM_001015877.2(PHF6):c.986A>G (p.His329Arg)

Gene: PHF6 (PHD finger protein 6; plus strand). Cytogenetic location: Xq26.2.
Variant type: single nucleotide variant.
Coding change: c.986A>G on transcript NM_001015877.2 (MANE Select); coding-DNA position 986, A replaced by G.
Protein change: p.His329Arg; replaces histidine 329 with arginine.
Molecular consequence: missense variant.
Genome position (GRCh38, 1-based): chrX:134,425,218, A>G. VCF-style: chrX-134425218-A-G. GRCh37 (hg19) VCF-style: chrX-133559248-A-G.
Other names: c.986A>G, p.His329Arg (NM_032458.3); short protein forms H329R.
Identifiers: ClinVar variation 3358452 (VCV003358452.2).

ClinVar aggregate classification (germline): Uncertain significance. Review status: criteria provided, single submitter (1 of 4 stars). 2 submissions from 2 submitters: Uncertain significance (1). 1 of the submissions does not count toward it. Last evaluated 2026-02-12.

Conditions:
PHF6-related disorder. Also called: PHF6-related condition.

Submissions (2):

GeneDx
Classification: Uncertain significance. Last evaluated: 2026-02-12. Review status: criteria provided, single submitter. Criteria: GeneDx Variant Classification Process June 2021. Collection method: clinical testing. Allele origin: germline.
Comment: Not observed at significant frequency in large population cohorts (gnomAD); In silico analysis suggests that this missense variant does not alter protein structure/function; Reported in individuals with leukemia, but has not been reported as pathogenic or benign in association with PHF6-related neurodevelopmental disorder with multiple anomalies or BFLS to our knowledge (PMID: 24554700, 21880637); This variant is associated with the following publications: (PMID: 21880637, Terkawi2021[Poster], 24554700)

PreventionGenetics, part of Exact Sciences
Classification: Likely pathogenic for PHF6-related condition. Last evaluated: 2024-08-22. Review status: no assertion criteria provided. Collection method: clinical testing. Allele origin: germline. Not counted in ClinVar's aggregate classification.
Comment: The PHF6 c.986A>G variant is predicted to result in the amino acid substitution p.His329Arg. To our knowledge, this variant has not been reported in the literature or in a large population database, indicating this variant is rare. This variant is interpreted as likely pathogenic.